The following is an entry in ClinVar:

NM_001903.5(CTNNA1):c.997A>C (p.Ile333Leu)

Gene: CTNNA1 (catenin alpha 1; plus strand). Cytogenetic location: 5q31.2.
Variant type: single nucleotide variant.
Coding change: c.997A>C on transcript NM_001903.5 (MANE Select); coding-DNA position 997, A replaced by C.
Protein change: p.Ile333Leu; replaces isoleucine 333 with leucine.
Molecular consequence: missense variant.
Genome position (GRCh38, 1-based): chr5:138,827,653, A>C. VCF-style: chr5-138827653-A-C. GRCh37 (hg19) VCF-style: chr5-138163342-A-C.
Other names: c.997A>C, p.Ile333Leu (NM_001290307.3, NM_001323982.2, NM_001323983.1 and 3 more transcripts); c.688A>C, p.Ile230Leu (NM_001290309.3); c.628A>C, p.Ile210Leu (NM_001290310.3); short protein forms I333L, I210L, I230L.
Identifiers: ClinVar variation 2710246 (VCV002710246.3), dbSNP rs1316182048, ClinGen allele CA361131106.

ClinVar aggregate classification (germline): Uncertain significance (1 of 4 stars; one submission).

Submission:

Labcorp Genetics (formerly Invitae), Labcorp
Classification: Uncertain significance. Last evaluated: 2024-01-19. Review status: criteria provided, single submitter. Criteria: Invitae Variant Classification Sherloc (09022015). Collection method: clinical testing. Allele origin: germline.
Comment: This sequence change replaces isoleucine, which is neutral and non-polar, with leucine, which is neutral and non-polar, at codon 333 of the CTNNA1 protein (p.Ile333Leu). This variant is present in population databases (no rsID available, gnomAD 0.0009%). This variant has not been reported in the literature in individuals affected with CTNNA1-related conditions. Advanced modeling of protein sequence and biophysical properties (such as structural, functional, and spatial information, amino acid conservation, physicochemical variation, residue mobility, and thermodynamic stability) performed at Invitae indicates that this missense variant is not expected to disrupt CTNNA1 protein function with a negative predictive value of 80%. In summary, the available evidence is currently insufficient to determine the role of this variant in disease. Therefore, it has been classified as a Variant of Uncertain Significance.